The following is an entry in ClinVar:

NM_002878.4(RAD51D):c.260G>A (p.Gly87Asp)

Genes: RAD51L3-RFFL (RAD51L3-RFFL readthrough; minus strand), RAD51D (RAD51 paralog D; minus strand). Cytogenetic location: 17q12.
Variant type: single nucleotide variant.
Coding change: c.260G>A on transcript NM_002878.4 (MANE Select); coding-DNA position 260, G replaced by A.
Protein change: p.Gly87Asp; replaces glycine 87 with aspartic acid.
Molecular consequence: missense variant. On other transcripts: intron variant (2).
Genome position (GRCh38, 1-based): chr17:35,118,504, C>T on the plus strand (G>A on the coding strand, the complement: RAD51D is on the minus strand). VCF-style: chr17-35118504-C-T. GRCh37 (hg19) VCF-style: chr17-33445523-C-T.
Other names: c.144+607G>A (NM_133629.3, NM_001142571.2); short protein forms G87D.
Identifiers: ClinVar variation 926223 (VCV000926223.16), dbSNP rs2091775597, ClinGen allele CA399091180.

ClinVar aggregate classification (germline): Uncertain significance. Review status: criteria provided, multiple submitters, no conflicts (2 of 4 stars). 4 submissions from 4 submitters: Uncertain significance (4). Last evaluated 2025-08-02.

Conditions:
Breast-ovarian cancer, familial, susceptibility to, 4. Identifiers: Orphanet 145, MedGen C3280345, MONDO:0013669, OMIM 614291.
Hereditary cancer-predisposing syndrome. Also called: Neoplastic Syndromes, Hereditary; Tumor predisposition; Hereditary Cancer Syndrome; Hereditary neoplastic syndrome. Identifiers: Orphanet 140162, MedGen C0027672, MeSH D009386, MONDO:0015356.

Submissions (4):

Ambry Genetics
Classification: Uncertain significance for Hereditary cancer-predisposing syndrome. Last evaluated: 2025-08-02. Review status: criteria provided, single submitter. Criteria: Ambry Variant Classification Scheme 2023. Collection method: clinical testing. Allele origin: germline.
Comment: The p.G87D variant (also known as c.260G>A), located in coding exon 3 of the RAD51D gene, results from a G to A substitution at nucleotide position 260. The glycine at codon 87 is replaced by aspartic acid, an amino acid with similar properties. This amino acid position is poorly conserved in available vertebrate species. In addition, this alteration is predicted to be tolerated by in silico analysis. Since supporting evidence is limited at this time, the clinical significance of this alteration remains unclear.

Color Diagnostics, LLC DBA Color Health
Classification: Uncertain significance for Hereditary cancer-predisposing syndrome. Last evaluated: 2023-12-04. Review status: criteria provided, single submitter. Criteria: ACMG Guidelines, 2015. Collection method: clinical testing. Allele origin: germline.
Comment: This missense variant replaces glycine with aspartic acid at codon 87 of the RAD51D protein. Computational prediction suggests that this variant may not impact protein structure and function (internally defined REVEL score threshold <= 0.5, PMID: 27666373). To our knowledge, functional studies have not been reported for this variant. This variant has not been reported in individuals affected with RAD51D-related disorders in the literature. This variant has not been identified in the general population by the Genome Aggregation Database (gnomAD). The available evidence is insufficient to determine the role of this variant in disease conclusively. Therefore, this variant is classified as a Variant of Uncertain Significance.

Labcorp Genetics (formerly Invitae), Labcorp
Classification: Uncertain significance for Breast-ovarian cancer, familial, susceptibility to, 4. Last evaluated: 2023-08-27. Review status: criteria provided, single submitter. Criteria: Invitae Variant Classification Sherloc (09022015). Collection method: clinical testing. Allele origin: germline.
Comment: This variant is not present in population databases (gnomAD no frequency). This sequence change replaces glycine, which is neutral and non-polar, with aspartic acid, which is acidic and polar, at codon 87 of the RAD51D protein (p.Gly87Asp). This variant has not been reported in the literature in individuals affected with RAD51D-related conditions. In summary, the available evidence is currently insufficient to determine the role of this variant in disease. Therefore, it has been classified as a Variant of Uncertain Significance. Advanced modeling of protein sequence and biophysical properties (such as structural, functional, and spatial information, amino acid conservation, physicochemical variation, residue mobility, and thermodynamic stability) performed at Invitae indicates that this missense variant is not expected to disrupt RAD51D protein function. ClinVar contains an entry for this variant (Variation ID: 926223).

GeneDx
Classification: Uncertain significance. Last evaluated: 2020-02-03. Review status: criteria provided, single submitter. Criteria: GeneDx Variant Classification Process June 2021. Collection method: clinical testing. Allele origin: germline. Affected: yes.
Comment: Not observed in large population cohorts (Lek 2016); In silico analysis supports that this missense variant does not alter protein structure/function; Has not been previously published as pathogenic or benign to our knowledge